The following is an entry in ClinVar:

ClinVar aggregate classification (germline): Pathogenic (1 of 4 stars; one submission).

Conditions:
Pigmentary pallidal degeneration (NBIA1). Also called: Neurodegeneration with brain iron accumulation 1; HARP SYNDROME; PKAN NEUROAXONAL DYSTROPHY, JUVENILE-ONSET; Pantothenate Kinase-Associated Neurodegeneration; Neuroaxonal dystrophy, late infantile; Hallervorden-Spatz disease. Identifiers: Orphanet 157850, MedGen C0018523, MONDO:0009319, OMIM 234200.

Submission:

Labcorp Genetics (formerly Invitae), Labcorp
Classification: Pathogenic for Pigmentary pallidal degeneration. Last evaluated: 2021-08-04. Review status: criteria provided, single submitter. Criteria: Invitae Variant Classification Sherloc (09022015). Collection method: clinical testing. Allele origin: germline.
Comment: This variant is a gross deletion of the genomic region encompassing exon(s) 1-4 of the PANK2 gene, which includes the initiator codon. The 5' end of this event is unknown as it extends beyond the assayed region for this gene and therefore may encompass additional genes. The 3' boundary is likely confined to intron 4 of the PANK2 gene. It is expected to result in an absent or disrupted protein product. Loss-of-function variants in PANK2 are known to be pathogenic (PMID: 11479594, 12510040). A similar copy number variant has been observed in individuals with pantothenate kinase-associated neurodegeneration (PMID: 16437574). For these reasons, this variant has been classified as Pathogenic.

Literature cited by the submitters: PubMed 11479594; PubMed 12510040; PubMed 16437574.

NC_000020.11:g.(?_3889081)_(3912654_?)del

Genes: PANK2 (pantothenate kinase 2; plus strand), PANK2-AS1 (PANK2 antisense RNA 1; minus strand), LOC125384566 (Sharpr-MPRA regulatory region 6416; plus strand), LOC130065344 (ATAC-STARR-seq lymphoblastoid silent region 12634; plus strand), LOC130065345 (ATAC-STARR-seq lymphoblastoid silent region 12635; plus strand) and 2 more. Cytogenetic location: 20p13.
Variant type: Deletion.
Identifiers: ClinVar variation 526631 (VCV000526631.8).